The following is an entry in ClinVar:

NM_000059.4(BRCA2):c.7662C>T (p.Ser2554=)

Gene: BRCA2 (BRCA2 DNA repair associated; plus strand). Cytogenetic location: 13q13.1.
Variant type: single nucleotide variant.
Coding change: c.7662C>T on transcript NM_000059.4 (MANE Select); coding-DNA position 7662, C replaced by T.
Protein change: p.Ser2554=; no amino-acid change (serine 2554 retained).
Molecular consequence: synonymous variant. On other transcripts: non-coding transcript variant (1).
Genome position (GRCh38, 1-based): chr13:32,357,786, C>T. VCF-style: chr13-32357786-C-T. GRCh37 (hg19) VCF-style: chr13-32931923-C-T.
Other names: c.7566C>T, p.Ser2522= (NM_001406719.1); c.7662C>T, p.Ser2554= (NM_001406720.1, NM_001432077.1); c.2730C>T, p.Ser910= (NM_001406721.1); c.1245C>T, p.Ser415= (NM_001406722.1).
Identifiers: ClinVar variation 3572366 (VCV003572366.1).

ClinVar aggregate classification (germline): Uncertain significance (1 of 4 stars; one submission).

Submission:

Quest Diagnostics Nichols Institute San Juan Capistrano
Classification: Uncertain significance. Last evaluated: 2024-11-12. Review status: criteria provided, single submitter. Criteria: Quest Diagnostics criteria. Collection method: clinical testing. Allele origin: unknown.
Comment: The BRCA2 c.7662C>T (p.Ser2554=) synonymous variant has not been reported in individuals with BRCA2-related conditions in the published literature. It also has not been reported in large, multi-ethnic general populations (Genome Aggregation Database). Analysis of this variant using software algorithms for the prediction of the effect of nucleotide changes on splicing yielded predictions that this variant does not affect BRCA2 mRNA splicing. Based on the available information, we are unable to determine the clinical significance of this variant.